The following is an entry in ClinVar:

NM_000492.4(CFTR):c.92G>T (p.Arg31Leu)

Gene: CFTR (CF transmembrane conductance regulator; plus strand). Cytogenetic location: 7q31.2.
Variant type: single nucleotide variant.
Coding change: c.92G>T on transcript NM_000492.4 (MANE Select); coding-DNA position 92, G replaced by T.
Protein change: p.Arg31Leu; replaces arginine 31 with leucine.
Molecular consequence: missense variant.
Genome position (GRCh38, 1-based): chr7:117,504,291, G>T. VCF-style: chr7-117504291-G-T. GRCh37 (hg19) VCF-style: chr7-117144345-G-T.
Other names: short protein forms R31L.
Identifiers: ClinVar variation 54087 (VCV000054087.29), dbSNP rs149353983, ClinGen allele CA327694.

ClinVar aggregate classification (germline): Uncertain significance. Review status: reviewed by expert panel (3 of 4 stars). 13 submissions from 13 submitters: Uncertain significance (1). 12 of the submissions do not count toward it. Last evaluated 2017-03-03.

Conditions:
Bronchiectasis with or without elevated sweat chloride 1 (BESC1). Also called: Cystic Fibrosis-Like Syndrome. Identifiers: Orphanet 60033, MedGen C2749757, MONDO:0008887, OMIM 211400.
Hereditary pancreatitis (PCTT). Also called: PRSS1-Related Hereditary Pancreatitis; Hereditary chronic pancreatitis. Identifiers: Orphanet 676, MedGen C0238339, MONDO:0008185, OMIM 167800.
Cystic fibrosis (CF). Also called: MUCOVISCIDOSIS. Identifiers: Orphanet 586, MedGen C0010674, MONDO:0009061, OMIM 219700. Disease mechanism: loss of function.
Congenital bilateral aplasia of vas deferens from CFTR mutation (CBAVD). Identifiers: Orphanet 48, MedGen C0403814, MONDO:0010178, OMIM 277180. Disease mechanism: loss of function.
Lung disease, non-specific.

Allele frequency attached by ClinVar (database versions not stated): TOPMed 0.00012; gnomAD 0.00010.
gnomAD v4.1: 141 of 1,612,452 alleles (0.0087%); highest among the groups gnomAD compares: Non-Finnish European, 0.011%; no homozygotes.

Submissions 1 to 6 of 13:

CFTR2
Classification: Uncertain significance for Cystic fibrosis. Last evaluated: 2017-03-03. Review status: reviewed by expert panel. Criteria: Submitter's publication and website. Collection method: research. Allele origin: germline. Affected: yes.

Women's Health and Genetics/Laboratory Corporation of America, LabCorp
Classification: Uncertain significance. Last evaluated: 2026-05-01. Review status: criteria provided, single submitter. Criteria: LabCorp Variant Classification Summary - May 2015. Collection method: clinical testing. Allele origin: germline. Not counted in ClinVar's aggregate classification.
Comment: Variant summary: CFTR c.92G>T (p.Arg31Leu) results in a non-conservative amino acid change in the encoded protein sequence. Algorithms developed to predict the effect of missense changes on protein structure and function are either unavailable or do not agree on the potential impact of this missense change. The variant allele was found at a frequency of 3.6e-05 in 251968 control chromosomes. It was also found presumed compound heterozygous with a pathogenic variant p.Pro67Leu (often seen among non-classic CF cases) in 1 individual with cystic fibrosis (Durno_2002). Finally, our laboratory found this variant in the presumed or confirmed compound heterozygous state in multiple individuals of highly variable age with clinical features of CFTR-related conditions such as pulmonary mycobacterial infection, bronchiectasis, borderline or weakly positive sweat test during the newborn period, and unspecified CF features (internal data). These data indicate that the variant may be associated with disease of variable clinical severity and onset, however overall its pathogenicity remains uncertain. At least three publications report conflicting experimental evidence evaluating an impact on protein function in-vitro (example, Jurkuvenalte_2006, Raraigh_2018, Bihler_2024). The most pronounced variant effect results in diminished channel activity compared to wild-type (<10% of WT) in one study (Jurkuvenalte_2006), an indeterminate level of channel activity (56% of WT) in another (Raraigh_2018) and approximately (Gt channel conductance) 22% of normal chloride channel conductance relative to wild type in a gold-standard assay (Bihler_2024). In vitro data were considered sufficient for inclusion of this variant among those expected to be responsive to TRIKAFTA therapy (Table S6). The following publications have been ascertained in the context of this evaluation (PMID: 18193900, 16251901, 7526685, 17098482, 17235394, 18306312, 17098864, 31036917, 38388235, 16339147, 39855646, 30888834, 15536480, 31916691, 29805046, 34996830, 34583889, 34350279, 7537150, 12454843, 28392015). ClinVar contains an entry for this variant (Variation ID: 54087). Based on the evidence outlined above, the variant was classified as VUS-possibly pathogenic.

Labcorp Genetics (formerly Invitae), Labcorp
Classification: Uncertain significance for Cystic fibrosis. Last evaluated: 2026-01-04. Review status: criteria provided, single submitter. Criteria: Invitae Variant Classification Sherloc (09022015). Collection method: clinical testing. Allele origin: germline. Not counted in ClinVar's aggregate classification.
Comment: This sequence change replaces arginine, which is basic and polar, with leucine, which is neutral and non-polar, at codon 31 of the CFTR protein (p.Arg31Leu). This variant is present in population databases (rs149353983, gnomAD 0.008%). This missense change has been observed in individuals with cystic fibrosis (PMID: 12454843, 28392015, 30888834, 31916691, 34350279). ClinVar contains an entry for this variant (Variation ID: 54087). Invitae Evidence Modeling of protein sequence and biophysical properties (such as structural, functional, and spatial information, amino acid conservation, physicochemical variation, residue mobility, and thermodynamic stability) indicates that this missense variant is expected to disrupt CFTR protein function with a positive predictive value of 80%. Experimental studies have shown that this missense change affects CFTR function (PMID: 16339147, 38388235). In summary, the available evidence is currently insufficient to determine the role of this variant in disease. Therefore, it has been classified as a Variant of Uncertain Significance.

Ambry Genetics
Classification: Uncertain significance for Cystic fibrosis. Last evaluated: 2024-07-29. Review status: criteria provided, single submitter. Criteria: Ambry Variant Classification Scheme 2023. Collection method: clinical testing. Allele origin: germline. Not counted in ClinVar's aggregate classification.
Comment: The p.R31L variant (also known as c.92G>T), located in coding exon 2 of the CFTR gene, results from a G to T substitution at nucleotide position 92. The arginine at codon 31 is replaced by leucine, an amino acid with dissimilar properties. This alteration has been detected in an individual with elevated sweat chloride levels and virtually normal pulmonary and pancreatic function; however, no second CFTR alteration was identified (Zielenski J, Hum. Mutat. 1995; 5(1):43-7). In vitro protein studies show that this alteration causes a reduction in the surface expression of the CFTR protein (Jurkuvenaite A, J. Biol. Chem. 2006 Feb; 281(6):3329-34; Raraigh KS et al. Am. J. Hum. Genet., 2018 06;102:1062-1077). This amino acid position is not well conserved in available vertebrate species. In addition, this alteration is predicted to be deleterious by in silico analysis. Based on the available evidence, the clinical significance of this variant remains unclear.

ARUP Laboratories, Molecular Genetics and Genomics, ARUP Laboratories
Classification: Uncertain significance. Last evaluated: 2024-01-04. Review status: criteria provided, single submitter. Criteria: ARUP Molecular Germline Variant Investigation Process 2024. Collection method: clinical testing. Allele origin: germline. Not counted in ClinVar's aggregate classification.
Comment: The CFTR c.92G>T p.Arg31Leu variant (rs149353983; ClinVar Variation ID: 54087) is reported in patients diagnosed with cystic fibrosis. Another CF patient with pancreatic sufficiency and without pancreatitis carried this variant and a pathogenic variant with varying clinical consequences, p.Pro67Leu (Durno 2002). This variant is also reported in the CFTR2 database in seven individuals who also carry F508del (Munck 2020 and McCague 2019). However, sweat chloride ranges are in an indeterminate range (30-60 mmol/L) and CFTR2 lists this variant as of uncertain clinical consequence. This variant is only observed on eleven alleles in the Genome Aggregation Database (v2.1.1), indicating it is not a common polymorphism. Functional evidence suggest that this variant reduces receptor trafficking and channel function, though data are inconsistent as to the overall magnitude of this effect (Jurkuvenaite 2006 and Raraigh 2018). Computational analyses are uncertain whether this variant is neutral or deleterious (REVEL: 0.546). Due to conflicting information, the clinical significance of this variant is uncertain at this time. References: Durno C et al. Genotype and phenotype correlations in patients with cystic fibrosis and pancreatitis. Gastroenterology. 2002 Dec;123(6):1857-64. PMID: 12454843. Jurkuvenaite A et al. Mutations in the amino terminus of the cystic fibrosis transmembrane conductance regulator enhance endocytosis. J Biol Chem. 2006 Feb 10;281(6):3329-34. PMID: 16339147. McCague AF et al. Correlating Cystic Fibrosis Transmembrane Conductance Regulator Function with Clinical Features to Inform Precision Treatment of Cystic Fibrosis. Am J Respir Crit Care Med. 2019 May 1;199(9):1116-1126PMID: 30888834 Munck A et al. Phenotype of children with inconclusive cystic fibrosis diagnosis after newborn screening. Pediatr Pulmonol. 2020 Apr;55(4):918-928. PMID: 31916691. Raraigh KS et al. Functional Assays Are Essential for Interpretation of Missense Variants Associated with Variable Expressivity. Am J Hum Genet. 2018 Jun 7;102(6):1062-1077. PMID: 29805046. Zielenski J et al. Identification of six mutations (R31L, 441delA, 681delC, 1461ins4, W1089R, E1104X) in the cystic fibrosis transmembrane conductance regulator (CFTR) gene. Hum Mutat. 1995;5(1):43-7. PMID: 7537150.

Fulgent Genetics
Classification: Uncertain significance for Hereditary pancreatitis; Bronchiectasis with or without elevated sweat chloride 1; Cystic fibrosis; Congenital bilateral aplasia of vas deferens from CFTR mutation. Last evaluated: 2022-05-09. Review status: criteria provided, single submitter. Criteria: ACMG Guidelines, 2015. Collection method: clinical testing. Allele origin: unknown. Not counted in ClinVar's aggregate classification.